The following is an entry in ClinVar:

NM_005862.3(STAG1):c.1026+2T>C

Gene: STAG1 (STAG1 cohesin complex component; minus strand). Cytogenetic location: 3q22.3.
Variant type: single nucleotide variant.
Coding change: c.1026+2T>C on transcript NM_005862.3 (MANE Select); the canonical splice donor site of the intron after coding-DNA position 1026, T replaced by C.
Molecular consequence: splice donor variant.
Genome position (GRCh38, 1-based): chr3:136,477,287, A>G on the plus strand (T>C on the coding strand, the complement: STAG1 is on the minus strand). VCF-style: chr3-136477287-A-G. GRCh37 (hg19) VCF-style: chr3-136196129-A-G.
Identifiers: ClinVar variation 2728203 (VCV002728203.4), dbSNP rs1240231224, ClinGen allele CA354652610.

ClinVar aggregate classification (germline): Likely pathogenic. Review status: criteria provided, multiple submitters, no conflicts (2 of 4 stars). 2 submissions from 2 submitters: Likely pathogenic (2). Last evaluated 2025-05-05.

Conditions:
Intellectual developmental disorder, autosomal dominant 47. Also called: MENTAL RETARDATION, AUTOSOMAL DOMINANT 47; Intellectual disability, autosomal dominant 47. Identifiers: Orphanet 502434, MedGen C4539951, MONDO:0030912, OMIM 617635.

Submissions (2):

Laboratorio de Genetica e Diagnostico Molecular, Hospital Israelita Albert Einstein
Classification: Likely pathogenic for Intellectual developmental disorder, autosomal dominant 47. Last evaluated: 2025-05-05. Review status: criteria provided, single submitter. Criteria: ACMG Guidelines, 2015. Collection method: clinical testing. Allele origin: germline. Affected: yes.
Comment: ACMG classification criteria: PVS1 very strong, PM2 supporting

Labcorp Genetics (formerly Invitae), Labcorp
Classification: Likely pathogenic. Last evaluated: 2023-12-07. Review status: criteria provided, single submitter. Criteria: Invitae Variant Classification Sherloc (09022015). Collection method: clinical testing. Allele origin: germline.
Comment: This sequence change affects a donor splice site in intron 10 of the STAG1 gene. It is expected to disrupt RNA splicing. Variants that disrupt the donor or acceptor splice site typically lead to a loss of protein function (PMID: 16199547), and loss-of-function variants in STAG1 are known to be pathogenic (PMID: 28119487). This variant is not present in population databases (gnomAD no frequency). This variant has not been reported in the literature in individuals affected with STAG1-related conditions. Algorithms developed to predict the effect of sequence changes on RNA splicing suggest that this variant may disrupt the consensus splice site. In summary, the currently available evidence indicates that the variant is pathogenic, but additional data are needed to prove that conclusively. Therefore, this variant has been classified as Likely Pathogenic.

Literature cited by the submitters: PubMed 16199547 (cited by Labcorp Genetics (formerly Invitae), Labcorp); PubMed 28119487 (cited by Labcorp Genetics (formerly Invitae), Labcorp).